The following is an entry in ClinVar:

ClinVar aggregate classification (germline): Likely benign (1 of 4 stars; one submission).

Allele frequency attached by ClinVar (database versions not stated): 1000 Genomes Project 30x 0.00515; 1000 Genomes Project 0.00559; TOPMed 0.01142.
gnomAD v4.1: 1,671 of 152,296 alleles (1.1%); highest among the groups gnomAD compares: Middle Eastern, 1.7%; 8 homozygotes.

Submission:

GeneDx
Classification: Likely benign. Last evaluated: 2018-06-18. Review status: criteria provided, single submitter. Criteria: GeneDx Variant Classification (06012015). Collection method: clinical testing. Allele origin: germline. Affected: yes.
Comment: This variant is considered likely benign or benign based on one or more of the following criteria: it is a conservative change, it occurs at a poorly conserved position in the protein, it is predicted to be benign by multiple in silico algorithms, and/or has population frequency not consistent with disease.

NM_014000.3(VCL):c.169-290A>G

Gene: VCL (vinculin; plus strand). Cytogenetic location: 10q22.2.
Variant type: single nucleotide variant.
Coding change: c.169-290A>G on transcript NM_014000.3 (MANE Select); 290 bases into the intron before coding-DNA position 169, A replaced by G.
Molecular consequence: intron variant.
Genome position (GRCh38, 1-based): chr10:74,042,793, A>G. VCF-style: chr10-74042793-A-G. GRCh37 (hg19) VCF-style: chr10-75802551-A-G.
Other names: c.169-290A>G (NM_003373.4).
Identifiers: ClinVar variation 671495 (VCV000671495.1), dbSNP rs144295868, ClinGen allele CA209683295.